The following is an entry in ClinVar:

NM_003356.4(UCP3):c.27G>A (p.Val9=)

Gene: UCP3 (uncoupling protein 3; minus strand). Cytogenetic location: 11q13.4.
Variant type: single nucleotide variant.
Coding change: c.27G>A on transcript NM_003356.4 (MANE Select); coding-DNA position 27, G replaced by A.
Protein change: p.Val9=; no amino-acid change (valine 9 retained).
Molecular consequence: synonymous variant.
Genome position (GRCh38, 1-based): chr11:74,007,016, C>T on the plus strand (G>A on the coding strand, the complement: UCP3 is on the minus strand). VCF-style: chr11-74007016-C-T. GRCh37 (hg19) VCF-style: chr11-73718061-C-T.
Other names: c.27G>A, p.Val9= (NM_022803.3).
Identifiers: ClinVar variation 755602 (VCV000755602.9), dbSNP rs148847746, ClinGen allele CA6181669.

ClinVar aggregate classification (germline): Conflicting classifications of pathogenicity. Review status: criteria provided, conflicting classifications (1 of 4 stars). 3 submissions from 3 submitters: Uncertain significance (1); Likely benign (1). 1 of the submissions does not count toward it. Last evaluated 2025-07-27.

Conditions:
UCP3-related disorder. Also called: UCP3-related condition.

Allele frequency attached by ClinVar (database versions not stated): gnomAD exomes 0.00006 and 0.00014; ExAC 0.00012; 1000 Genomes Project 30x 0.00016; 1000 Genomes Project 0.00020; ESP Exome Variant Server 0.00023; gnomAD 0.00035 and 0.00038; TOPMed 0.00043.
gnomAD v4.1: 149 of 1,614,132 alleles (0.0092%); highest among the groups gnomAD compares: African/African-American, 0.099%; no homozygotes.

Submissions (3):

Labcorp Genetics (formerly Invitae), Labcorp
Classification: Likely benign. Last evaluated: 2025-07-27. Review status: criteria provided, single submitter. Criteria: Invitae Variant Classification Sherloc (09022015). Collection method: clinical testing. Allele origin: germline.

Blueprint Genetics
Classification: Uncertain significance. Last evaluated: 2024-10-09. Review status: criteria provided, single submitter. Criteria: ACMG Guidelines, 2015. Collection method: clinical testing. Allele origin: germline.

PreventionGenetics, part of Exact Sciences
Classification: Likely benign for UCP3-related condition. Last evaluated: 2021-09-16. Review status: no assertion criteria provided. Collection method: clinical testing. Allele origin: germline. Not counted in ClinVar's aggregate classification.
Comment: This variant is classified as likely benign based on ACMG/AMP sequence variant interpretation guidelines (Richards et al. 2015 PMID: 25741868, with internal and published modifications).